The following is an entry in ClinVar:

ClinVar aggregate classification (germline): Uncertain significance (1 of 4 stars; one submission).

Submission:

Labcorp Genetics (formerly Invitae), Labcorp
Classification: Uncertain significance. Last evaluated: 2022-10-09. Review status: criteria provided, single submitter. Criteria: Invitae Variant Classification Sherloc (09022015). Collection method: clinical testing. Allele origin: germline.
Comment: This variant has not been reported in the literature in individuals affected with COL4A3-related conditions. This variant is not present in population databases (gnomAD no frequency). This sequence change falls in intron 15 of the COL4A3 gene. It does not directly change the encoded amino acid sequence of the COL4A3 protein. It affects a nucleotide within the consensus splice site. In summary, the available evidence is currently insufficient to determine the role of this variant in disease. Therefore, it has been classified as a Variant of Uncertain Significance. Variants that disrupt the consensus splice site are a relatively common cause of aberrant splicing (PMID: 17576681, 9536098). Algorithms developed to predict the effect of sequence changes on RNA splicing suggest that this variant may disrupt the consensus splice site.

Literature cited by the submitters: PubMed 17576681; PubMed 9536098.

NM_000091.5(COL4A3):c.889-3T>A

Genes: COL4A3 (collagen type IV alpha 3 chain; plus strand), MFF-DT (MFF divergent transcript; minus strand). Cytogenetic location: 2q36.3.
Variant type: single nucleotide variant.
Coding change: c.889-3T>A on transcript NM_000091.5 (MANE Select); 3 bases into the intron before coding-DNA position 889, T replaced by A.
Molecular consequence: intron variant.
Genome position (GRCh38, 1-based): chr2:227,256,023, T>A. VCF-style: chr2-227256023-T-A. GRCh37 (hg19) VCF-style: chr2-228120739-T-A.
Identifiers: ClinVar variation 2034881 (VCV002034881.4), dbSNP rs2469581924, ClinGen allele CA2580065874.
Genomic context (GRCh38, chr2:227,256,023, plus strand): 5'-TCCGTATTTGTAAAGTTAGCCATATTTATTACATTTCATGTTTTTGATTTGTTTTTGCTG[T>A]AGGGAAAACCCGGAAAAGATGGTGTTCCTGGCTTCCCTGGAAGTGAGGTATAGAGTTGAT-3'